The following is an entry in ClinVar:

NM_012210.4(TRIM32):c.1321C>G (p.Leu441Val)

Genes: ASTN2 (astrotactin 2; minus strand), TRIM32 (tripartite motif containing 32; plus strand). Cytogenetic location: 9q33.1.
Variant type: single nucleotide variant.
Coding change: c.1321C>G on transcript NM_012210.4 (MANE Select); coding-DNA position 1321, C replaced by G.
Protein change: p.Leu441Val; replaces leucine 441 with valine.
Molecular consequence: missense variant. On other transcripts: intron variant (3).
Genome position (GRCh38, 1-based): chr9:116,699,063, C>G. VCF-style: chr9-116699063-C-G. GRCh37 (hg19) VCF-style: chr9-119461342-C-G.
Other names: c.1321C>G, p.Leu441Val (NM_001099679.2, NM_001379048.1, NM_001379049.1 and 1 more transcripts); c.2653+26708G>C (NM_014010.5); c.2794+26708G>C (NM_001365069.1); c.2806+26708G>C (NM_001365068.1); short protein forms L441V.
Identifiers: ClinVar variation 1362898 (VCV001362898.4), dbSNP rs987882732, ClinGen allele CA198770787.
Genomic context (GRCh38, chr9:116,699,063, plus strand): 5'-TTCCTTGGGGCAGATCTACCCAACCTCACTCCTCTCTCAGTGGCAATGAACTGCCAGGGG[C>G]TGATTGGTGTGACTGACAGCTATGATAACTCCCTCAAGGTATATACCTTGGATGGCCACT-3'
Protein context (NP_036342.2, residues 431-451): PLSVAMNCQG[Leu441Val]IGVTDSYDNS

ClinVar aggregate classification (germline): Uncertain significance. Review status: criteria provided, multiple submitters, no conflicts (2 of 4 stars). 2 submissions from 2 submitters: Uncertain significance (2). Last evaluated 2022-01-13.

Conditions:
Bardet-Biedl syndrome 11 (BBS11). Identifiers: Orphanet 110, MedGen C1859569, MONDO:0014439, OMIM 615988.
Sarcotubular myopathy (LGMDR8). Also called: Limb-girdle muscular dystrophy, type 2H; Autosomal recessive limb-girdle muscular dystrophy type 2H; MUSCULAR DYSTROPHY, LIMB-GIRDLE, AUTOSOMAL RECESSIVE 8; Hutterite type of muscular dystrophy. Identifiers: Orphanet 1878, MedGen C0270968, MONDO:0009683, OMIM 254110.
Bardet-Biedl syndrome (BBS). Identifiers: Orphanet 110, MedGen C0752166, MONDO:0015229.

Allele frequency attached by ClinVar (database versions not stated): TOPMed 0.00003; gnomAD 0.00001; gnomAD exomes below 0.00001.
gnomAD v4.1: 2 of 1,614,038 alleles (0.00012%); highest among the groups gnomAD compares: African/African-American, 0.0027%; no homozygotes.

Submissions (2):

Fulgent Genetics
Classification: Uncertain significance for Sarcotubular myopathy; Bardet-Biedl syndrome 11. Last evaluated: 2022-01-13. Review status: criteria provided, single submitter. Criteria: ACMG Guidelines, 2015. Collection method: clinical testing. Allele origin: unknown.

Labcorp Genetics (formerly Invitae), Labcorp
Classification: Uncertain significance for Bardet-Biedl syndrome. Last evaluated: 2021-08-29. Review status: criteria provided, single submitter. Criteria: Invitae Variant Classification Sherloc (09022015). Collection method: clinical testing. Allele origin: germline.
Comment: This sequence change replaces leucine with valine at codon 441 of the TRIM32 protein (p.Leu441Val). The leucine residue is highly conserved and there is a small physicochemical difference between leucine and valine. This variant is not present in population databases (ExAC no frequency). This variant has not been reported in the literature in individuals affected with TRIM32-related conditions. Algorithms developed to predict the effect of missense changes on protein structure and function (SIFT, PolyPhen-2, Align-GVGD) all suggest that this variant is likely to be disruptive. Algorithms developed to predict the effect of sequence changes on RNA splicing suggest that this variant may create or strengthen a splice site. In summary, the available evidence is currently insufficient to determine the role of this variant in disease. Therefore, it has been classified as a Variant of Uncertain Significance.